The following is an entry in ClinVar:

ClinVar aggregate classification (germline): Likely pathogenic (1 of 4 stars; one submission).

Submission:

Dasa
Classification: Likely pathogenic. Last evaluated: 2025-11-23. Review status: criteria provided, single submitter. Criteria: DASA Assertion Criteria. Collection method: clinical testing. Allele origin: germline.
Comment: NM_138694.4(PKHD1):c.2776del (p.Leu926Serfs*21) is a frameshift variant in PKHD1 predicted to alter the reading frame and introduce a premature termination codon and is predicted to result in an absent or altered protein product. Loss of function is an established disease mechanism for PKHD1-associated disorders. Also, this variant is absent from population databases. Based on the currently available evidence, this variant is classified as likely pathogenic.

NM_138694.4(PKHD1):c.2776del (p.Leu926fs)

Gene: PKHD1 (PKHD1 ciliary IPT domain containing fibrocystin/polyductin; minus strand). Cytogenetic location: 6p12.2.
Variant type: Deletion.
Coding change: c.2776del on transcript NM_138694.4 (MANE Select); coding-DNA position 2776, one base deleted (C; older notation c.2776delC).
Protein change: p.Leu926fs; shifts the reading frame from leucine 926.
Molecular consequence: frameshift variant.
Genome position (GRCh38, 1-based): chr6:52,043,670, G deleted on the plus strand (C on the coding strand, the reverse complement: PKHD1 is on the minus strand); the first of 2 consecutive G bases (chr6:52,043,670-52,043,671); deleting either gives the same sequence. VCF-style (leftmost placement, unchanged base first): chr6-52043669-AG-A. GRCh37 (hg19) VCF-style: chr6-51908467-AG-A.
Other names: c.2776del, p.Leu926fs (NM_170724.3); short protein forms L926fs.
Identifiers: ClinVar variation 4886434 (VCV004886434.2).